The following is an entry in ClinVar:

ClinVar aggregate classification (germline): Likely benign. Review status: criteria provided, multiple submitters, no conflicts (2 of 4 stars). 3 submissions from 3 submitters: Likely benign (3). Last evaluated 2025-04-30.

Conditions:
Inborn genetic diseases. Identifiers: MedGen C0950123, MeSH D030342.

Allele frequency attached by ClinVar (database versions not stated): ExAC 0.00001; gnomAD 0.00001; TOPMed 0.00002.
gnomAD v4.1: 23 of 1,614,002 alleles (0.0014%); highest among the groups gnomAD compares: South Asian, 0.0022%; no homozygotes.

Submissions (3):

Labcorp Genetics (formerly Invitae), Labcorp
Classification: Likely benign. Last evaluated: 2025-04-30. Review status: criteria provided, single submitter. Criteria: Invitae Variant Classification Sherloc (09022015). Collection method: clinical testing. Allele origin: germline.

CeGaT Center for Human Genetics Tuebingen
Classification: Likely benign. Last evaluated: 2024-01-01. Review status: criteria provided, single submitter. Criteria: CeGaT Center For Human Genetics Tuebingen Variant Classification Criteria Version 2. Collection method: clinical testing. Allele origin: germline. Affected: yes. Observed: 1 variant allele.
Comment: SMARCA2: BP4, BP7

Ambry Genetics
Classification: Likely benign for Inborn genetic diseases. Last evaluated: 2019-05-24. Review status: criteria provided, single submitter. Criteria: Ambry Variant Classification Scheme 2023. Collection method: clinical testing. Allele origin: germline.

NM_003070.5(SMARCA2):c.2649G>A (p.Pro883=)

Gene: SMARCA2 (SWI/SNF related BAF chromatin remodeling complex subunit ATPase 2; plus strand). Cytogenetic location: 9p24.3.
Variant type: single nucleotide variant.
Coding change: c.2649G>A on transcript NM_003070.5 (MANE Select); coding-DNA position 2649, G replaced by A.
Protein change: p.Pro883=; no amino-acid change (proline 883 retained).
Molecular consequence: synonymous variant. On other transcripts: intron variant (1).
Genome position (GRCh38, 1-based): chr9:2,086,951, G>A. VCF-style: chr9-2086951-G-A. GRCh37 (hg19) VCF-style: chr9-2086951-G-A.
Other names: c.2649G>A, p.Pro883= (NM_001289396.2, NM_139045.4); c.2595+54G>A (NM_001289397.2).
Identifiers: ClinVar variation 1794279 (VCV001794279.26), dbSNP rs773251995, ClinGen allele CA4963538.